The following is an entry in ClinVar:

ClinVar aggregate classification (germline): Uncertain significance (1 of 4 stars; one submission).

Submission:

Labcorp Genetics (formerly Invitae), Labcorp
Classification: Uncertain significance. Last evaluated: 2021-01-05. Review status: criteria provided, single submitter. Criteria: Invitae Variant Classification Sherloc (09022015). Collection method: clinical testing. Allele origin: germline.
Comment: This variant is not present in population databases (ExAC no frequency). This sequence change replaces alanine with threonine at codon 1089 of the PTPN23 protein (p.Ala1089Thr). The alanine residue is weakly conserved and there is a small physicochemical difference between alanine and threonine. This variant has not been reported in the literature in individuals with PTPN23-related conditions. Algorithms developed to predict the effect of missense changes on protein structure and function are either unavailable or do not agree on the potential impact of this missense change (SIFT: "Tolerated"; PolyPhen-2: "Probably Damaging"; Align-GVGD: "Class C0"). In summary, the available evidence is currently insufficient to determine the role of this variant in disease. Therefore, it has been classified as a Variant of Uncertain Significance.

NM_015466.4(PTPN23):c.3265G>A (p.Ala1089Thr)

Gene: PTPN23 (protein tyrosine phosphatase non-receptor type 23; plus strand). Cytogenetic location: 3p21.31.
Variant type: single nucleotide variant.
Coding change: c.3265G>A on transcript NM_015466.4 (MANE Select); coding-DNA position 3265, G replaced by A.
Protein change: p.Ala1089Thr; replaces alanine 1089 with threonine.
Molecular consequence: missense variant.
Genome position (GRCh38, 1-based): chr3:47,411,063, G>A. VCF-style: chr3-47411063-G-A. GRCh37 (hg19) VCF-style: chr3-47452553-G-A.
Other names: c.2887G>A, p.Ala963Thr (NM_001304482.2); short protein forms A963T, A1089T.
Identifiers: ClinVar variation 1493900 (VCV001493900.8), dbSNP rs2107724380, ClinGen allele CA352561461.